The following is an entry in ClinVar:

ClinVar aggregate classification (germline): Pathogenic. Review status: criteria provided, single submitter (1 of 4 stars). 2 submissions from 2 submitters: Pathogenic (1). 1 of the submissions does not count toward it. Last evaluated 2018-06-28.

Conditions:
Hypoparathyroidism-retardation-dysmorphism syndrome (HRDS). Also called: SANJAD-SAKATI SYNDROME. Identifiers: Orphanet 2323, MedGen C1855840, MONDO:0009426, OMIM 241410.

Submissions (2):

Labcorp Genetics (formerly Invitae), Labcorp
Classification: Pathogenic. Last evaluated: 2018-06-28. Review status: criteria provided, single submitter. Criteria: Invitae Variant Classification Sherloc (09022015). Collection method: clinical testing. Allele origin: germline.
Comment: For these reasons, this variant has been classified as Pathogenic. Loss-of-function variants in TBCE are known to be pathogenic (PMID: 12389028, 12389029). Experimental studies have shown that this variant does not result in nonsense-mediated decay of the mRNA, but instead results in the production of an N-terminally disrupted protein that retains TBCE activity in vitro. However in cells derived from an affected individual this altered protein was found to be intrinsically unstable and to ultimately result in loss of activity (PMID: 16938882). This variant has been observed in an individual affected with congenital hypoparathyroidism, intellectual disability, facial dysmorphism, and extreme growth failure (known as HRD or Sanjad–Sakati syndrome) (PMID: 12389028). This variant is not present in population databases (ExAC no frequency). This sequence change creates a premature translational stop signal (p.Val23Thrfs*27) in the TBCE gene. It is expected to result in an absent or disrupted protein product.

OMIM
Classification: Pathogenic for HYPOPARATHYROIDISM-RETARDATION-DYSMORPHISM SYNDROME. Last evaluated: 2006-09-05. Review status: no assertion criteria provided. Collection method: literature only. Allele origin: germline. Not counted in ClinVar's aggregate classification.

Literature cited by the submitters: PubMed 12389028 (cited by Labcorp Genetics (formerly Invitae), Labcorp and OMIM); PubMed 12389029 (cited by Labcorp Genetics (formerly Invitae), Labcorp); PubMed 16938882 (cited by Labcorp Genetics (formerly Invitae), Labcorp and OMIM).

NM_003193.5(TBCE):c.66_67del (p.Val23fs)

Gene: TBCE (tubulin folding cofactor E; plus strand). Cytogenetic location: 1q42.3.
Variant type: Deletion.
Coding change: c.66_67del on transcript NM_003193.5 (MANE Select); coding-DNA positions 66 to 67, 2 bases deleted (AG; older notation c.66_67delAG).
Protein change: p.Val23fs; shifts the reading frame from valine 23.
Molecular consequence: frameshift variant. On other transcripts: 5 prime UTR variant (1).
Genome position (GRCh38, 1-based): chr1:235,380,115-235,380,116, AG deleted. VCF-style (leftmost placement, unchanged base first): chr1-235380114-CAG-C. GRCh37 (hg19) VCF-style: chr1-235543429-CAG-C.
Other names: c.66_67del, p.Val23fs (NM_001079515.3, NM_001287801.2); c.-245_-244del (NM_001287802.2); short protein forms V23fs.
Identifiers: ClinVar variation 5291 (VCV000005291.5), dbSNP rs1572324681, ClinGen allele CA913185043.